The following is an entry in ClinVar:

NM_006767.4(LZTR1):c.410C>A (p.Thr137Asn)

Gene: LZTR1 (leucine zipper like post translational regulator 1; plus strand). Cytogenetic location: 22q11.21.
Variant type: single nucleotide variant.
Coding change: c.410C>A on transcript NM_006767.4 (MANE Select); coding-DNA position 410, C replaced by A.
Protein change: p.Thr137Asn; replaces threonine 137 with asparagine.
Molecular consequence: missense variant.
Genome position (GRCh38, 1-based): chr22:20,988,019, C>A. VCF-style: chr22-20988019-C-A. GRCh37 (hg19) VCF-style: chr22-21342308-C-A.
Other names: short protein forms T137N.
Identifiers: ClinVar variation 1001414 (VCV001001414.23), dbSNP rs146627447, ClinGen allele CA10118433.
Genomic context (GRCh38, chr22:20,988,019, plus strand): 5'-ATCTCCAAGACTGCCCTTTGGGTTTGACAGTTTCTCACTCTCTTTACTCAGGGGGTTACA[C>A]TGGGGACATTTATTCCAATTCTAACTTGAAGAATAAAAACGACCTCTTTGAATACAAGTT-3'
Protein context (NP_006758.2, residues 127-147): GSSMFVFGGY[Thr137Asn]GDIYSNSNLK

ClinVar aggregate classification (germline): Conflicting classifications of pathogenicity. Review status: criteria provided, conflicting classifications (1 of 4 stars). 9 submissions from 9 submitters: Uncertain significance (8); Likely benign (1). Last evaluated 2026-01-13.

Conditions:
Noonan syndrome 10 (NS10). Identifiers: Orphanet 648, MedGen C4225280, MONDO:0014693, OMIM 616564.
Noonan syndrome 2 (NS2). Identifiers: Orphanet 648, MedGen C1854469, MONDO:0011531, OMIM 605275.
LZTR1-related schwannomatosis. Also called: Schwannomatosis-2, susceptibility to; Schwannomatosis 2. Identifiers: Orphanet 93921, MedGen C3810283, MONDO:0014299, OMIM 615670.
Cardiovascular phenotype. Identifiers: MedGen CN230736.
Hereditary cancer-predisposing syndrome. Also called: Hereditary Cancer Syndrome; Hereditary neoplastic syndrome; Tumor predisposition; Neoplastic Syndromes, Hereditary. Identifiers: Orphanet 140162, MedGen C0027672, MeSH D009386, MONDO:0015356.

Allele frequency attached by ClinVar (database versions not stated): gnomAD 0.00009 and 0.00010; gnomAD exomes 0.00011 and 0.00014; TOPMed 0.00011; ESP Exome Variant Server 0.00015.
gnomAD v4.1: 218 of 1,601,300 alleles (0.014%); highest among the groups gnomAD compares: Non-Finnish European, 0.018%; 1 homozygote.

Submissions (9):

Labcorp Genetics (formerly Invitae), Labcorp
Classification: Uncertain significance. Last evaluated: 2026-01-13. Review status: criteria provided, single submitter. Criteria: Invitae Variant Classification Sherloc (09022015). Collection method: clinical testing. Allele origin: germline.
Comment: This sequence change replaces threonine, which is neutral and polar, with asparagine, which is neutral and polar, at codon 137 of the LZTR1 protein (p.Thr137Asn). This variant is present in population databases (rs146627447, gnomAD 0.02%). This variant has not been reported in the literature in individuals affected with LZTR1-related conditions. ClinVar contains an entry for this variant (Variation ID: 1001414). Invitae Evidence Modeling of protein sequence and biophysical properties (such as structural, functional, and spatial information, amino acid conservation, physicochemical variation, residue mobility, and thermodynamic stability) indicates that this missense variant is not expected to disrupt LZTR1 protein function with a negative predictive value of 80%. In summary, the available evidence is currently insufficient to determine the role of this variant in disease. Therefore, it has been classified as a Variant of Uncertain Significance.

Blueprint Genetics
Classification: Likely benign. Last evaluated: 2024-11-18. Review status: criteria provided, single submitter. Criteria: ACMG Guidelines, 2015. Collection method: clinical testing. Allele origin: germline.

Ambry Genetics
Classification: Uncertain significance for Cardiovascular phenotype; Hereditary cancer-predisposing syndrome. Last evaluated: 2024-10-14. Review status: criteria provided, single submitter. Criteria: Ambry Variant Classification Scheme 2023. Collection method: clinical testing. Allele origin: germline.
Comment: The p.T137N variant (also known as c.410C>A), located in coding exon 5 of the LZTR1 gene, results from a C to A substitution at nucleotide position 410. The threonine at codon 137 is replaced by asparagine, an amino acid with similar properties. This amino acid position is highly conserved in available vertebrate species. In addition, this alteration is predicted to be tolerated by in silico analysis. Based on the available evidence, the clinical significance of this variant remains unclear.

Clinical Genomics Laboratory, Washington University in St. Louis
Classification: Uncertain significance for Noonan syndrome 10; Noonan syndrome 2. Last evaluated: 2024-04-04. Review status: criteria provided, single submitter. Criteria: ACMG Guidelines, 2015. Collection method: clinical testing. Allele origin: germline.
Comment: An LZTR1 c.410C>A (p.Thr137Asn) variant was identified at a near heterozygous allelic fraction of 49.5%, a frequency which may be consistent with germline origin. This variant has been identified in a single individual with Noonan syndrome (Teixeira, C). It has been reported in the ClinVar database as a germline variant of uncertain significance by multiple submitters (ClinVar Variation ID: 1001414). The LZTR1 c.410C>A (p.Thr137Asn) variant is observed on 218/1,601,300 alleles in the general population (gnomAD v.4.0.0), including one homozygote. Computational predictors are uncertain as to the impact of this variant on LZTR1 function. Due to limited information, and based on ACMG/AMP guidelines for variant interpretation (Richards S et al., PMID: 25741868), the clinical significance of this variant is uncertain at this time.

Clinical Genetics Laboratory, Skane University Hospital Lund
Classification: Uncertain significance. Last evaluated: 2024-03-21. Review status: criteria provided, single submitter. Criteria: ACMG Guidelines, 2015. Collection method: clinical testing. Allele origin: germline. Affected: yes.

Fulgent Genetics
Classification: Uncertain significance for Noonan syndrome 2; LZTR1-related schwannomatosis; Noonan syndrome 10. Last evaluated: 2024-01-18. Review status: criteria provided, single submitter. Criteria: ACMG Guidelines, 2015. Collection method: clinical testing. Allele origin: germline.

GeneDx
Classification: Uncertain significance. Last evaluated: 2024-01-17. Review status: criteria provided, single submitter. Criteria: GeneDx Variant Classification Process June 2021. Collection method: clinical testing. Allele origin: germline. Affected: yes.
Comment: In silico analysis supports that this missense variant has a deleterious effect on protein structure/function; Has not been previously published as pathogenic or benign to our knowledge

Baylor Genetics
Classification: Uncertain significance for LZTR1-related schwannomatosis. Last evaluated: 2023-10-23. Review status: criteria provided, single submitter. Criteria: ACMG Guidelines, 2015. Collection method: clinical testing. Allele origin: unknown.

ARUP Laboratories, Molecular Genetics and Genomics, ARUP Laboratories
Classification: Uncertain significance. Last evaluated: 2021-01-03. Review status: criteria provided, single submitter. Criteria: ARUP Molecular Germline Variant Investigation Process 2021. Collection method: clinical testing. Allele origin: germline.
Comment: The LZTR1 c.410C>A; p.Thr137Asn variant (rs146627447), to our knowledge, is not reported in the medical literature or gene specific databases. This variant is found in the non-Finnish European population with an allele frequency of 0.02% (27/128,968 alleles) in the Genome Aggregation Database. The threonine at codon 137 is highly conserved, but computational analyses are uncertain whether this variant is neutral or deleterious (REVEL: 0.362). Additionally, two nearby variants (c.407A>G; p.Tyr136Cys and c.406T>C; p.Tyr136His) have been described as occurring de novo in individuals with Noonan syndrome. However, given the lack of clinical and functional data, the significance of the p.Thr137Asn variant is uncertain at this time. References: Pagnamenta AT et al. Delineation of dominant and recessive forms of LZTR1-associated Noonan syndrome. Clin Genet. 2019 Jun;95(6):693-703.